The following is an entry in ClinVar:

NM_000064.4(C3):c.619C>T (p.Arg207Ter)

Gene: C3 (complement C3; minus strand). Cytogenetic location: 19p13.3.
Variant type: single nucleotide variant.
Coding change: c.619C>T on transcript NM_000064.4 (MANE Select); coding-DNA position 619, C replaced by T.
Protein change: p.Arg207Ter; replaces arginine 207 with a stop codon.
Molecular consequence: nonsense.
Genome position (GRCh38, 1-based): chr19:6,714,229, G>A on the plus strand (C>T on the coding strand, the complement: C3 is on the minus strand). VCF-style: chr19-6714229-G-A. GRCh37 (hg19) VCF-style: chr19-6714240-G-A.
Other names: short protein forms R207*.
Identifiers: ClinVar variation 4703825 (VCV004703825.1).

ClinVar aggregate classification (germline): Pathogenic (1 of 4 stars; one submission).

gnomAD v4.1: 4 of 1,613,854 alleles (0.00025%); highest among the groups gnomAD compares: Non-Finnish European, 0.00034%; no homozygotes.

Submission:

Labcorp Genetics (formerly Invitae), Labcorp
Classification: Pathogenic. Last evaluated: 2025-08-14. Review status: criteria provided, single submitter. Criteria: Invitae Variant Classification Sherloc (09022015). Collection method: clinical testing. Allele origin: germline.
Comment: This sequence change creates a premature translational stop signal (p.Arg207*) in the C3 gene. It is expected to result in an absent or disrupted protein product. Loss-of-function variants in C3 are known to be pathogenic (PMID: 12462331, 14639503, 21501302). This variant is present in population databases (no rsID available, gnomAD 0.0009%). This variant has not been reported in the literature in individuals affected with C3-related conditions. For these reasons, this variant has been classified as Pathogenic.

Literature cited by the submitters: PubMed 12462331; PubMed 14639503; PubMed 21501302.